The following is an entry in ClinVar:

ClinVar aggregate classification (germline): Uncertain significance (1 of 4 stars; one submission).

Submission:

GeneDx
Classification: Uncertain significance. Last evaluated: 2022-03-19. Review status: criteria provided, single submitter. Criteria: GeneDx Variant Classification Process June 2021. Collection method: clinical testing. Allele origin: germline. Affected: yes.
Comment: Not observed at significant frequency in large population cohorts (gnomAD); In silico analysis supports that this missense variant has a deleterious effect on protein structure/function; Has not been previously published as pathogenic or benign to our knowledge

NM_138711.6(PPARG):c.859T>C (p.Ser287Pro)

Gene: PPARG (peroxisome proliferator activated receptor gamma; plus strand). Cytogenetic location: 3p25.2.
Variant type: single nucleotide variant.
Coding change: c.859T>C on transcript NM_138711.6 (MANE Select); coding-DNA position 859, T replaced by C.
Protein change: p.Ser287Pro; replaces serine 287 with proline.
Molecular consequence: missense variant. On other transcripts: intron variant (5).
Genome position (GRCh38, 1-based): chr3:12,416,833, T>C. VCF-style: chr3-12416833-T-C. GRCh37 (hg19) VCF-style: chr3-12458332-T-C.
Other names: c.859T>C, p.Ser287Pro (NM_001354666.3, NM_001354667.3, NM_001374263.2 and 3 more transcripts); c.232T>C, p.Ser78Pro (NM_001354669.2); c.949T>C, p.Ser317Pro (NM_015869.5); c.729+10752T>C (NM_001374261.3, NM_001374262.3, NM_001330615.4); c.653+10834T>C (NM_001374266.1); c.819+10752T>C (NM_001374265.1); short protein forms S287P, S289P, S317P, S78P.
Identifiers: ClinVar variation 1706353 (VCV001706353.2), dbSNP rs2471060853, ClinGen allele CA351619387.